The following is an entry in ClinVar:

ClinVar aggregate classification (germline): Uncertain significance (1 of 4 stars; one submission).

Submission:

Labcorp Genetics (formerly Invitae), Labcorp
Classification: Uncertain significance. Last evaluated: 2023-03-23. Review status: criteria provided, single submitter. Criteria: Invitae Variant Classification Sherloc (09022015). Collection method: clinical testing. Allele origin: germline.
Comment: This variant is not present in population databases (gnomAD no frequency). In summary, the available evidence is currently insufficient to determine the role of this variant in disease. Therefore, it has been classified as a Variant of Uncertain Significance. Algorithms developed to predict the effect of missense changes on protein structure and function output the following: SIFT: "Not Available"; PolyPhen-2: "Benign"; Align-GVGD: "Not Available". The glutamic acid amino acid residue is found in multiple mammalian species, which suggests that this missense change does not adversely affect protein function. This variant has not been reported in the literature in individuals affected with KIF20A-related conditions. This sequence change replaces aspartic acid, which is acidic and polar, with glutamic acid, which is acidic and polar, at codon 547 of the KIF20A protein (p.Asp547Glu).

NM_005733.3(KIF20A):c.1641T>G (p.Asp547Glu)

Gene: KIF20A (kinesin family member 20A; plus strand). Cytogenetic location: 5q31.2.
Variant type: single nucleotide variant.
Coding change: c.1641T>G on transcript NM_005733.3 (MANE Select); coding-DNA position 1641, T replaced by G.
Protein change: p.Asp547Glu; replaces aspartic acid 547 with glutamic acid.
Molecular consequence: missense variant.
Genome position (GRCh38, 1-based): chr5:138,184,634, T>G. VCF-style: chr5-138184634-T-G. GRCh37 (hg19) VCF-style: chr5-137520323-T-G.
Other names: short protein forms D547E.
Identifiers: ClinVar variation 2847747 (VCV002847747.3), dbSNP rs2482186102, ClinGen allele CA361116833.
Genomic context (GRCh38, chr5:138,184,634, plus strand): 5'-TAGTCTTCAGGTATCCCCCAGCTTAGAGAAAGGGGCTAAGGCAGACACAGGCCTTGATGA[T>G]GATATTGAAAATGAAGCTGACATCTCCATGTATGGCAAAGAGGTGAGAATACAAGAAAGC-3'
Protein context (NP_005724.1, residues 537-557): KGAKADTGLD[Asp547Glu]DIENEADISM